The following is an entry in ClinVar:

ClinVar aggregate classification (germline): Uncertain significance (1 of 4 stars; one submission).

Submission:

Labcorp Genetics (formerly Invitae), Labcorp
Classification: Uncertain significance. Last evaluated: 2022-08-12. Review status: criteria provided, single submitter. Criteria: Invitae Variant Classification Sherloc (09022015). Collection method: clinical testing. Allele origin: germline.
Comment: A copy number gain of the genomic region encompassing the full coding sequence of the MGP gene has been identified. The boundaries of this event are unknown as they extend beyond the assayed region for this gene and therefore may encompass additional genes. As the precise location of this event is unknown, it may be in tandem or it may be located elsewhere in the genome. This variant has not been reported in the literature in individuals affected with MGP-related conditions. In summary, the available evidence is currently insufficient to determine the role of this variant in disease. Therefore, it has been classified as a Variant of Uncertain Significance.

NC_000012.11:g.(?_15035073)_(15038725_?)dup

Gene: MGP (matrix Gla protein; minus strand). Cytogenetic location: 12p12.3.
Variant type: Duplication.
Identifiers: ClinVar variation 2423434 (VCV002423434.3).